The following is an entry in ClinVar:

NM_203447.4(DOCK8):c.6068+32G>C

Gene: DOCK8 (dedicator of cytokinesis 8; plus strand). Cytogenetic location: 9p24.3.
Variant type: single nucleotide variant.
Coding change: c.6068+32G>C on transcript NM_203447.4 (MANE Select); 32 bases into the intron after coding-DNA position 6068, G replaced by C.
Molecular consequence: intron variant.
Genome position (GRCh38, 1-based): chr9:452,149, G>C. VCF-style: chr9-452149-G-C. GRCh37 (hg19) VCF-style: chr9-452149-G-C.
Other names: c.5864+32G>C (NM_001193536.2); c.5768+32G>C (NM_001190458.2).
Identifiers: ClinVar variation 673293 (VCV000673293.5), dbSNP rs16909246, ClinGen allele CA4959660.

ClinVar aggregate classification (germline): Benign. Review status: criteria provided, multiple submitters, no conflicts (2 of 4 stars). 3 submissions from 3 submitters: Benign (3). Last evaluated 2021-07-14.

Conditions:
Combined immunodeficiency due to DOCK8 deficiency (HIES2). Also called: DOCK8 Deficiency; HIES autosomal recessive; HYPER-IgE SYNDROME 2, AUTOSOMAL RECESSIVE, WITH RECURRENT INFECTIONS; Hyper-IgE recurrent infection syndrome, autosomal recessive; HYPER-IgE RECURRENT INFECTION SYNDROME 2, AUTOSOMAL RECESSIVE. Identifiers: Orphanet 217390, MedGen C4722305, MONDO:0009478, OMIM 243700.

Allele frequency attached by ClinVar (database versions not stated): gnomAD 0.12477; TOPMed 0.12555; 1000 Genomes Project 30x 0.13070; 1000 Genomes Project 0.13119; ESP Exome Variant Server 0.13694.
gnomAD v4.1: 171,362 of 1,419,318 alleles (12%); highest among the groups gnomAD compares: South Asian, 20%; 11,505 homozygotes.

Submissions (3):

Genome-Nilou Lab
Classification: Benign for Combined immunodeficiency due to DOCK8 deficiency. Last evaluated: 2021-07-14. Review status: criteria provided, single submitter. Criteria: ACMG Guidelines, 2015. Collection method: clinical testing. Allele origin: germline. Affected: no.

GeneDx
Classification: Benign. Last evaluated: 2018-06-16. Review status: criteria provided, single submitter. Criteria: GeneDx Variant Classification (06012015). Collection method: clinical testing. Allele origin: germline. Affected: yes.
Comment: This variant is considered likely benign or benign based on one or more of the following criteria: it is a conservative change, it occurs at a poorly conserved position in the protein, it is predicted to be benign by multiple in silico algorithms, and/or has population frequency not consistent with disease.

Breakthrough Genomics
Classification: Benign. Review status: criteria provided, single submitter. Criteria: ACMG Guidelines, 2015. Collection method: not provided. Allele origin: germline. Inheritance: Autosomal recessive inheritance. Affected: yes.